The following is an entry in ClinVar:

NM_003611.3(OFD1):c.450TCA[1] (p.His151del)

Gene: OFD1 (OFD1 centriole and centriolar satellite protein; plus strand). Cytogenetic location: Xp22.2.
Variant type: Microsatellite.
Coding change: c.450TCA[1] on transcript NM_003611.3 (MANE Select); one copy of the 3-base unit TCA starting at c.450; the reference has two copies in a row; one copy, 3 bases deleted; also written c.453_455del.
Protein change: p.His151del; deletes histidine 151.
Molecular consequence: inframe deletion.
Genome position (GRCh38, 1-based): chrX:13,744,455-13,744,457, TCA deleted; deleting any 3 consecutive bases within chrX:13,744,451-13,744,457 gives the same sequence; the position shown is the placement nearest the transcript's 3' end. VCF-style (leftmost placement, unchanged base first): chrX-13744450-TATC-T. GRCh37 (hg19) VCF-style: chrX-13762569-TATC-T.
Other names: c.450TCA[1], p.His151del (NM_001330209.2); c.30TCA[1], p.His11del (NM_001330210.2); c.453_455del (NM_003611.3); short protein forms H151del, H11del.
Identifiers: ClinVar variation 589409 (VCV000589409.12), dbSNP rs1569117650, ClinGen allele CA891844243.
Genomic context (GRCh38, chrX:13,744,450, plus strand): 5'-AAAACTGTATGCATATGTTTTTTAGGTTTTCTTATGCATTTTTTAAAAGAATTGGCAGAA[TATC>T]ATCAAGCTAAAGAGAGTTGTAATATGGAAACTCAGACAAGTTCGACATTTAACAGAGATT-3'

ClinVar aggregate classification (germline): Uncertain significance. Review status: criteria provided, multiple submitters, no conflicts (2 of 4 stars). 3 submissions from 3 submitters: Uncertain significance (3). Last evaluated 2025-03-06.

Conditions:
Primary ciliary dyskinesia. Also called: Ciliary dyskinesia. Identifiers: Orphanet 244, MedGen C0008780, MONDO:0016575, HP:0012265.
Joubert syndrome. Also called: Familial aplasia of the vermis; JOUBERT-BOLTSHAUSER SYNDROME. Identifiers: Orphanet 475, MedGen C5979921, MONDO:0018772.
Orofaciodigital syndrome I (OFD1). Also called: Oral-Facial-Digital Syndrome Type I; OFDS I; Papillon-Leage and Psaume Syndrome. Identifiers: Orphanet 2750, MedGen C1510460, MONDO:0010702, OMIM 311200.
Simpson-Golabi-Behmel syndrome type 2. Identifiers: Orphanet 79022, MedGen C1846175, MONDO:0010265, OMIM 300209.
Joubert syndrome 10 (JBTS10). Identifiers: Orphanet 2754, MedGen C2749019, MONDO:0010431, OMIM 300804.
Retinitis pigmentosa 23 (RP23). Identifiers: Orphanet 791, MedGen C1419610, MONDO:0010320, OMIM 300424.

Submissions (3):

Labcorp Genetics (formerly Invitae), Labcorp
Classification: Uncertain significance for Orofaciodigital syndrome I; Joubert syndrome. Last evaluated: 2025-03-06. Review status: criteria provided, single submitter. Criteria: Invitae Variant Classification Sherloc (09022015). Collection method: clinical testing. Allele origin: germline.
Comment: This variant, c.453_455del, results in the deletion of 1 amino acid(s) of the OFD1 protein (p.His151del), but otherwise preserves the integrity of the reading frame. This variant is not present in population databases (gnomAD no frequency). This variant has not been reported in the literature in individuals affected with OFD1-related conditions. Experimental studies and prediction algorithms are not available or were not evaluated, and the functional significance of this variant is currently unknown. In summary, the available evidence is currently insufficient to determine the role of this variant in disease. Therefore, it has been classified as a Variant of Uncertain Significance.

Fulgent Genetics
Classification: Uncertain significance for Simpson-Golabi-Behmel syndrome type 2; Retinitis pigmentosa 23; Joubert syndrome 10; Orofaciodigital syndrome I. Last evaluated: 2024-05-07. Review status: criteria provided, single submitter. Criteria: ACMG Guidelines, 2015. Collection method: clinical testing. Allele origin: germline.

Ambry Genetics
Classification: Uncertain significance for Primary ciliary dyskinesia. Last evaluated: 2016-09-24. Review status: criteria provided, single submitter. Criteria: Ambry Variant Classification Scheme 2023. Collection method: clinical testing. Allele origin: germline.
Comment: The c.453_455delTCA variant (also known as p.H151del) is located in coding exon 6 of the OFD1 gene. This variant results from an in-frame TCA deletion at nucleotide positions 453 to 455. This results in the in-frame deletion of a histidine at codon 151. This variant was not reported in population based cohorts in the following databases: Database of Single Nucleotide Polymorphisms (dbSNP), NHLBI Exome Sequencing Project (ESP), and 1000 Genomes Project. In the ESP, this variant was not observed in 6500 samples with coverage at this position. This amino acid position is not well conserved in available vertebrate species. Since supporting evidence is limited at this time, the clinical significance of this variant remains unclear.